The following is an entry in ClinVar:

ClinVar aggregate classification (germline): Uncertain significance. Review status: criteria provided, multiple submitters, no conflicts (2 of 4 stars). 3 submissions from 3 submitters: Uncertain significance (2). 1 of the submissions does not count toward it. Last evaluated 2024-03-03.

Conditions:
Cardiovascular phenotype. Identifiers: MedGen CN230736.
Dystrophin deficiency.
Cardiomyopathy (CMYO). Also called: Cardiomyopathies. Identifiers: Orphanet 167848, MedGen C0878544, MONDO:0004994, HP:0001638. Inheritance: Various modes of inheritance.
Becker muscular dystrophy (BMD). Also called: Becker Muscular Dystrophy (BMD); MUSCULAR DYSTROPHY, PSEUDOHYPERTROPHIC PROGRESSIVE, BECKER TYPE. Identifiers: Orphanet 98895, MedGen C0917713, MONDO:0010311, OMIM 300376.
Duchenne muscular dystrophy (DMD). Also called: Duchenne Muscular Dystrophy (DMD); MUSCULAR DYSTROPHY, PSEUDOHYPERTROPHIC PROGRESSIVE, DUCHENNE TYPE. Identifiers: Orphanet 98896, MedGen C0013264, MONDO:0010679, OMIM 310200.

Allele frequency attached by ClinVar (database versions not stated): ExAC 0.00001; gnomAD exomes 0.00001 and 0.00003.
gnomAD v4.1: 28 of 1,210,959 alleles (0.0023%); highest among the groups gnomAD compares: South Asian, 0.0035%; no homozygotes.

Submissions (3):

Labcorp Genetics (formerly Invitae), Labcorp
Classification: Uncertain significance for Duchenne muscular dystrophy. Last evaluated: 2024-03-03. Review status: criteria provided, single submitter. Criteria: Invitae Variant Classification Sherloc (09022015). Collection method: clinical testing. Allele origin: germline.
Comment: This sequence change replaces glutamine, which is neutral and polar, with glutamic acid, which is acidic and polar, at codon 678 of the DMD protein (p.Gln678Glu). This variant is present in population databases (rs398123872, gnomAD 0.005%). This variant has not been reported in the literature in individuals affected with DMD-related conditions. ClinVar contains an entry for this variant (Variation ID: 520605). Advanced modeling of protein sequence and biophysical properties (such as structural, functional, and spatial information, amino acid conservation, physicochemical variation, residue mobility, and thermodynamic stability) performed at Invitae indicates that this missense variant is not expected to disrupt DMD protein function with a negative predictive value of 95%. In summary, the available evidence is currently insufficient to determine the role of this variant in disease. Therefore, it has been classified as a Variant of Uncertain Significance.

Ambry Genetics
Classification: Uncertain significance for Cardiovascular phenotype. Last evaluated: 2023-05-10. Review status: criteria provided, single submitter. Criteria: Ambry Variant Classification Scheme 2023. Collection method: clinical testing. Allele origin: germline.
Comment: The p.Q678E variant (also known as c.2032C>G), located in coding exon 17 of the DMD gene, results from a C to G substitution at nucleotide position 2032. The glutamine at codon 678 is replaced by glutamic acid, an amino acid with highly similar properties. Based on data from gnomAD, the G allele has an overall frequency of 0.0011% (2/183114) total alleles studied, with 1 hemizygote(s) observed. The highest observed frequency was 0.0052% (1/19066) of South Asian alleles. This amino acid position is well conserved in available vertebrate species. In addition, this alteration is predicted to be tolerated by in silico analysis. Since supporting evidence is limited at this time, the clinical significance of this alteration remains unclear.

Natera, Inc.
Classification: Uncertain significance for Becker muscular dystrophy; Cardiomyopathy; Duchenne muscular dystrophy; Dystrophin deficiency. Last evaluated: 2018-08-28. Review status: no assertion criteria provided. Collection method: clinical testing. Allele origin: germline. Not counted in ClinVar's aggregate classification.

NM_004006.3(DMD):c.2032C>G (p.Gln678Glu)

Gene: DMD (dystrophin; minus strand). Cytogenetic location: Xp21.1.
Variant type: single nucleotide variant.
Coding change: c.2032C>G on transcript NM_004006.3 (MANE Select); coding-DNA position 2032, C replaced by G.
Protein change: p.Gln678Glu; replaces glutamine 678 with glutamic acid.
Molecular consequence: missense variant.
Genome position (GRCh38, 1-based): chrX:32,545,295, G>C on the plus strand (C>G on the coding strand, the complement: DMD is on the minus strand). VCF-style: chrX-32545295-G-C. GRCh37 (hg19) VCF-style: chrX-32563412-G-C.
Other names: c.2008C>G, p.Gln670Glu (NM_000109.4); c.2020C>G, p.Gln674Glu (NM_004009.3); c.1663C>G, p.Gln555Glu (NM_004010.3); short protein forms Q678E, Q555E, Q674E, Q670E.
Identifiers: ClinVar variation 520605 (VCV000520605.11), dbSNP rs398123872, ClinGen allele CA10379653.
Genomic context (GRCh38, chrX:32,545,295, plus strand): 5'-GCTTTACCAGGATCTGTTCCCTTGTGGTCACCGTAGTTACTGTTTCCATTACAGTTGTCT[G>C]TGTTAGTGATGGCTGAGTGGTGGTGACAGCCTGTGAAATCTGTGAGAAGTATTGAAACAG-3'
Protein context (NP_003997.2, residues 668-688): AVTTTQPSLT[Gln678Glu]TTVMETVTTV